The following is an entry in ClinVar:

ClinVar aggregate classification (germline): Likely benign. Review status: criteria provided, multiple submitters, no conflicts (2 of 4 stars). 2 submissions from 2 submitters: Likely benign (2). Last evaluated 2025-07-01.

Conditions:
Bethlem myopathy 1A. Also called: Bethlem myopathy 1; Bethlem Muscular Dystrophy; MYOPATHY, BENIGN CONGENITAL, WITH CONTRACTURES. Identifiers: Orphanet 610, MedGen CN029274, MONDO:0024530, OMIM 158810.

Allele frequency attached by ClinVar (database versions not stated): gnomAD exomes 0.00001 and 0.00002; TOPMed 0.00002; gnomAD 0.00003; ExAC 0.00004; ESP Exome Variant Server 0.00008.
gnomAD v4.1: 17 of 1,565,504 alleles (0.0011%); highest among the groups gnomAD compares: African/African-American, 0.0027%; no homozygotes.

Submissions (2):

CeGaT Center for Human Genetics Tuebingen
Classification: Likely benign. Last evaluated: 2025-07-01. Review status: criteria provided, single submitter. Criteria: CeGaT Center For Human Genetics Tuebingen Variant Classification Criteria Version 2. Collection method: clinical testing. Allele origin: germline. Affected: yes. Observed: 1 variant allele.
Comment: COL6A1: BP4, BP7

Labcorp Genetics (formerly Invitae), Labcorp
Classification: Likely benign for Bethlem myopathy 1A. Last evaluated: 2023-12-06. Review status: criteria provided, single submitter. Criteria: Invitae Variant Classification Sherloc (09022015). Collection method: clinical testing. Allele origin: germline.

NM_001848.3(COL6A1):c.471C>T (p.Thr157=)

Gene: COL6A1 (collagen type VI alpha 1 chain; plus strand). Cytogenetic location: 21q22.3.
Variant type: single nucleotide variant.
Coding change: c.471C>T on transcript NM_001848.3 (MANE Select); coding-DNA position 471, C replaced by T.
Protein change: p.Thr157=; no amino-acid change (threonine 157 retained).
Molecular consequence: synonymous variant.
Genome position (GRCh38, 1-based): chr21:45,986,568, C>T. VCF-style: chr21-45986568-C-T. GRCh37 (hg19) VCF-style: chr21-47406482-C-T.
Identifiers: ClinVar variation 1133741 (VCV001133741.17), dbSNP rs376650683, ClinGen allele CA10069587.
Genomic context (GRCh38, chr21:45,986,568, plus strand): 5'-CTGCCCTCTCCTGTCCAGGGGCTCCCACCTGAAGGAGAATAAGTACCTGATTGTGGTGAC[C>T]GACGGGCACCCCCTGGAGGGCTACAAGGAACCCTGTGGGGGGCTGGAGGATGCTGTGAAC-3'
Protein context (NP_001839.2, residues 147-167): LKENKYLIVV[Thr157=]DGHPLEGYKE